The following is an entry in ClinVar:

ClinVar aggregate classification (germline): Pathogenic/Likely pathogenic. Review status: criteria provided, multiple submitters, no conflicts (2 of 4 stars). 5 submissions from 5 submitters: Pathogenic (2); Likely pathogenic (2). 1 of the submissions does not count toward it. Last evaluated 2025-08-21.

Conditions:
CEP164-related disorder. Also called: CEP164-related condition.
Nephronophthisis 15 (NPHP15). Identifiers: Orphanet 3156, MedGen C3541853, MONDO:0013917, OMIM 614845.

Allele frequency attached by ClinVar (database versions not stated): ExAC 0.00001; gnomAD 0.00001; TOPMed 0.00001; gnomAD exomes 0.00002 and 0.00003.

Submissions (5):

Labcorp Genetics (formerly Invitae), Labcorp
Classification: Pathogenic for Nephronophthisis 15. Last evaluated: 2025-08-21. Review status: criteria provided, single submitter. Criteria: Invitae Variant Classification Sherloc (09022015). Collection method: clinical testing. Allele origin: germline.
Comment: This sequence change replaces arginine, which is basic and polar, with tryptophan, which is neutral and slightly polar, at codon 93 of the CEP164 protein (p.Arg93Trp). This variant is present in population databases (rs387907310, gnomAD 0.02%). This missense change has been observed in individuals with ciliopathies (PMID: 22863007, 27708425, 37324592). It has also been observed to segregate with disease in related individuals. ClinVar contains an entry for this variant (Variation ID: 37296). An algorithm developed to predict the effect of missense changes on protein structure and function (PolyPhen-2) suggests that this variant is likely to be disruptive. Experimental studies have shown that this missense change affects CEP164 function (PMID: 25340510, 34499853). For these reasons, this variant has been classified as Pathogenic.

Fulgent Genetics
Classification: Likely pathogenic for Nephronophthisis 15. Last evaluated: 2024-03-09. Review status: criteria provided, single submitter. Criteria: ACMG Guidelines, 2015. Collection method: clinical testing. Allele origin: germline.

Blueprint Genetics
Classification: Pathogenic for CEP164-related disorders. Last evaluated: 2022-06-17. Review status: criteria provided, single submitter. Criteria: ACMG Guidelines, 2015. Collection method: clinical testing. Allele origin: germline. Affected: yes. Observed: 4 variant alleles.

3billion
Classification: Likely pathogenic for Nephronophthisis 15. Last evaluated: 2022-01-03. Review status: criteria provided, single submitter. Criteria: ACMG Guidelines, 2015. Collection method: clinical testing. Allele origin: germline. Affected: yes. Observed: 1 homozygote.
Comment: Same nucleotide change resulting in same amino acid change has been previously reported to be associated with CEP164 related disorder (ClinVar ID: VCV000037296, PMID:22863007, PS1_P). The variant has been reported to be in trans with a pathogenic variant as either compound heterozygous or homozygous in at least one similarly affected unrelated individual (PMID: 22863007, PM3_M). In silico tool predictions suggest damaging effect of the variant on gene or gene product (REVEL: 0.624, 3CNET: 0.904, PP3_P). It is observed at an extremely low frequency in the gnomAD v2.1.1 dataset (total allele frequency: 0.000018, PM2_M). Therefore, this variant is classified as likely pathogenic according to the recommendation of ACMG/AMP guideline.

OMIM
Classification: Pathogenic for NEPHRONOPHTHISIS 15. Last evaluated: 2012-08-03. Review status: no assertion criteria provided. Collection method: literature only. Allele origin: germline. Not counted in ClinVar's aggregate classification.

Literature cited by the submitters: PubMed 22863007 (cited by 3 submitters); PubMed 27708425 (cited by Labcorp Genetics (formerly Invitae), Labcorp); PubMed 37324592 (cited by Labcorp Genetics (formerly Invitae), Labcorp); PubMed 25340510 (cited by Labcorp Genetics (formerly Invitae), Labcorp); PubMed 34499853 (cited by Labcorp Genetics (formerly Invitae), Labcorp).

NM_014956.5(CEP164):c.277C>T (p.Arg93Trp)

Gene: CEP164 (centrosomal protein 164; plus strand). Cytogenetic location: 11q23.3.
Variant type: single nucleotide variant.
Coding change: c.277C>T on transcript NM_014956.5 (MANE Select); coding-DNA position 277, C replaced by T.
Protein change: p.Arg93Trp; replaces arginine 93 with tryptophan.
Molecular consequence: missense variant.
Genome position (GRCh38, 1-based): chr11:117,351,872, C>T. VCF-style: chr11-117351872-C-T. GRCh37 (hg19) VCF-style: chr11-117222588-C-T.
Other names: c.277C>T, p.Arg93Trp (NM_001271933.2); short protein forms R93W.
Identifiers: ClinVar variation 37296 (VCV000037296.9), dbSNP rs387907310, ClinGen allele CA130150.